The following is an entry in ClinVar:

NM_001367721.1(CASK):c.1333G>A (p.Asp445Asn)

Gene: CASK (calcium/calmodulin dependent serine protein kinase; minus strand). Cytogenetic location: Xp11.4.
Variant type: single nucleotide variant.
Coding change: c.1333G>A on transcript NM_001367721.1 (MANE Select); coding-DNA position 1333, G replaced by A.
Protein change: p.Asp445Asn; replaces aspartic acid 445 with asparagine.
Molecular consequence: missense variant.
Genome position (GRCh38, 1-based): chrX:41,578,510, C>T on the plus strand (G>A on the coding strand, the complement: CASK is on the minus strand). VCF-style: chrX-41578510-C-T. GRCh37 (hg19) VCF-style: chrX-41437763-C-T.
Other names: c.1333G>A, p.Asp445Asn (NM_001126054.3, NM_003688.4); c.1315G>A, p.Asp439Asn (NM_001126055.3, NM_001410745.1); short protein forms D445N, D439N.
Identifiers: ClinVar variation 861250 (VCV000861250.11), dbSNP rs2065516822, ClinGen allele CA412998199.

ClinVar aggregate classification (germline): Uncertain significance. Review status: criteria provided, multiple submitters, no conflicts (2 of 4 stars). 2 submissions from 2 submitters: Uncertain significance (2). Last evaluated 2019-08-09.

Conditions:
Intellectual disability, CASK-related, X-linked. Identifiers: MedGen CN043158.

Submissions (2):

GeneDx
Classification: Uncertain significance. Last evaluated: 2019-08-09. Review status: criteria provided, single submitter. Criteria: GeneDx Variant Classification Process June 2021. Collection method: clinical testing. Allele origin: germline. Affected: yes.
Comment: Not observed in large population cohorts (Lek et al., 2016); In silico analysis, which includes protein predictors and evolutionary conservation, supports a deleterious effect; Has not been previously published as pathogenic or benign to our knowledge

Labcorp Genetics (formerly Invitae), Labcorp
Classification: Uncertain significance for Intellectual disability, CASK-related, X-linked. Last evaluated: 2019-04-23. Review status: criteria provided, single submitter. Criteria: Invitae Variant Classification Sherloc (09022015). Collection method: clinical testing. Allele origin: germline.
Comment: In summary, the available evidence is currently insufficient to determine the role of this variant in disease. Therefore, it has been classified as a Variant of Uncertain Significance. Algorithms developed to predict the effect of missense changes on protein structure and function are either unavailable or do not agree on the potential impact of this missense change (SIFT: "Deleterious"; PolyPhen-2: "Probably Damaging"; Align-GVGD: "Class C15"). This variant has not been reported in the literature in individuals with CASK-related conditions. This variant is not present in population databases (ExAC no frequency). This sequence change replaces aspartic acid with asparagine at codon 445 of the CASK protein (p.Asp445Asn). The aspartic acid residue is highly conserved and there is a small physicochemical difference between aspartic acid and asparagine.